The following is an entry in ClinVar:

ClinVar aggregate classification (germline): Uncertain significance. Review status: criteria provided, multiple submitters, no conflicts (2 of 4 stars). 2 submissions from 2 submitters: Uncertain significance (2). Last evaluated 2024-05-31.

Allele frequency attached by ClinVar (database versions not stated): ExAC 0.00005.
gnomAD v4.1: 6 of 1,593,680 alleles (0.00038%); highest among the groups gnomAD compares: Admixed American, 0.0035%; no homozygotes.

Submissions (2):

Labcorp Genetics (formerly Invitae), Labcorp
Classification: Uncertain significance. Last evaluated: 2024-05-31. Review status: criteria provided, single submitter. Criteria: Invitae Variant Classification Sherloc (09022015). Collection method: clinical testing. Allele origin: germline.
Comment: This sequence change replaces proline, which is neutral and non-polar, with leucine, which is neutral and non-polar, at codon 766 of the FGFR3 protein (p.Pro766Leu). This variant is present in population databases (rs763774428, gnomAD 0.006%). This missense change has been observed in individual(s) with hearing loss (PMID: 36597107). Advanced modeling of protein sequence and biophysical properties (such as structural, functional, and spatial information, amino acid conservation, physicochemical variation, residue mobility, and thermodynamic stability) has been performed at Invitae for this missense variant, however the output from this modeling did not meet the statistical confidence thresholds required to predict the impact of this variant on FGFR3 protein function. In summary, the available evidence is currently insufficient to determine the role of this variant in disease. Therefore, it has been classified as a Variant of Uncertain Significance.

GeneDx
Classification: Uncertain significance. Last evaluated: 2024-02-01. Review status: criteria provided, single submitter. Criteria: GeneDx Variant Classification Process June 2021. Collection method: clinical testing. Allele origin: germline. Affected: yes.
Comment: In silico analysis supports that this missense variant has a deleterious effect on protein structure/function; This variant is associated with the following publications: (PMID: 36597107)

Literature cited by the submitters: PubMed 36597107 (cited by Labcorp Genetics (formerly Invitae), Labcorp).

NM_000142.5(FGFR3):c.2297C>T (p.Pro766Leu)

Gene: FGFR3 (fibroblast growth factor receptor 3; plus strand). Cytogenetic location: 4p16.3.
Variant type: single nucleotide variant.
Coding change: c.2297C>T on transcript NM_000142.5 (MANE Select); coding-DNA position 2297, C replaced by T.
Protein change: p.Pro766Leu; replaces proline 766 with leucine.
Molecular consequence: missense variant. On other transcripts: synonymous variant (1), non-coding transcript variant (1).
Genome position (GRCh38, 1-based): chr4:1,807,138, C>T. VCF-style: chr4-1807138-C-T. GRCh37 (hg19) VCF-style: chr4-1808865-C-T.
Other names: c.2303C>T, p.Pro768Leu (NM_001163213.2); c.2300C>T, p.Pro767Leu (NM_001354809.2); c.2229C>T, p.Ala743= (NM_001354810.2); c.1961C>T, p.Pro654Leu (NM_022965.4); short protein forms P654L, P768L, P767L, P766L.
Identifiers: ClinVar variation 2724822 (VCV002724822.3), dbSNP rs763774428, ClinGen allele CA2810827.